The following is an entry in ClinVar:

NM_152383.5(DIS3L2):c.2331C>G (p.Ile777Met)

Gene: DIS3L2 (DIS3 like 3'-5' exoribonuclease 2; plus strand). Cytogenetic location: 2q37.1.
Variant type: single nucleotide variant.
Coding change: c.2331C>G on transcript NM_152383.5 (MANE Select); coding-DNA position 2331, C replaced by G.
Protein change: p.Ile777Met; replaces isoleucine 777 with methionine.
Molecular consequence: missense variant. On other transcripts: non-coding transcript variant (2), intron variant (1).
Genome position (GRCh38, 1-based): chr2:232,334,672, C>G. VCF-style: chr2-232334672-C-G. GRCh37 (hg19) VCF-style: chr2-233199382-C-G.
Other names: c.1582-8673C>G (NM_001257281.2); short protein forms I777M.
Identifiers: ClinVar variation 2751815 (VCV002751815.3), dbSNP rs2106354676, ClinGen allele CA350977992.

ClinVar aggregate classification (germline): Uncertain significance (1 of 4 stars; one submission).

Conditions:
Perlman syndrome (PRLMNS). Identifiers: Orphanet 2849, MedGen C0796113, MONDO:0009965, OMIM 267000.

Submission:

Labcorp Genetics (formerly Invitae), Labcorp
Classification: Uncertain significance for Perlman syndrome. Last evaluated: 2023-08-11. Review status: criteria provided, single submitter. Criteria: Invitae Variant Classification Sherloc (09022015). Collection method: clinical testing. Allele origin: germline.
Comment: In summary, the available evidence is currently insufficient to determine the role of this variant in disease. Therefore, it has been classified as a Variant of Uncertain Significance. Advanced modeling of protein sequence and biophysical properties (such as structural, functional, and spatial information, amino acid conservation, physicochemical variation, residue mobility, and thermodynamic stability) performed at Invitae indicates that this missense variant is not expected to disrupt DIS3L2 protein function. This variant has not been reported in the literature in individuals affected with DIS3L2-related conditions. This variant is not present in population databases (gnomAD no frequency). This sequence change replaces isoleucine, which is neutral and non-polar, with methionine, which is neutral and non-polar, at codon 777 of the DIS3L2 protein (p.Ile777Met).